The following continues an entry in ClinVar:

NM_206933.4(USH2A):c.10073G>A (p.Cys3358Tyr)

Gene: USH2A. ClinVar aggregate classification (germline): Pathogenic/Likely pathogenic. Pathogenic (19); Likely pathogenic (11).

Submissions 16 to 29 of 36:

Ophthalmic Genetics Group, Institute of Molecular and Clinical Ophthalmology Basel
Classification: Pathogenic for Retinitis pigmentosa. Last evaluated: 2023-07-24. Review status: criteria provided, single submitter. Criteria: ACMG Guidelines, 2015. Collection method: research. Allele origin: germline. Affected: yes. Observed: 1 variant allele.
Comment: Clinical significance based on ACMG v2.0

This variant was classified as Pathogenic based on ACMG criteria: PP5, PM2, PS4.

Institute of Human Genetics, Univ. Regensburg, Univ. Regensburg
Classification: Likely pathogenic for Retinal dystrophy. Last evaluated: 2023-01-01. Review status: criteria provided, single submitter. Criteria: ACMG Guidelines, 2015. Collection method: clinical testing. Allele origin: germline. Affected: yes.

Women's Health and Genetics/Laboratory Corporation of America, LabCorp
Classification: Pathogenic for Usher syndrome. Last evaluated: 2022-05-11. Review status: criteria provided, single submitter. Criteria: LabCorp Variant Classification Summary - May 2015. Collection method: clinical testing. Allele origin: germline.
Comment: Variant summary: USH2A c.10073G>A (p.Cys3358Tyr) results in a non-conservative amino acid change located in the Fibronectin type III domain (IPR003961) of the encoded protein sequence. Four of five in-silico tools predict a damaging effect of the variant on protein function. The variant allele was found at a frequency of 0.00035 in 251094 control chromosomes. This frequency is not significantly higher than expected for a pathogenic variant in USH2A causing Usher Syndrome (0.00035 vs 0.011), allowing no conclusion about variant significance. c.10073G>A has been reported in the literature in multiple individuals affected with Usher Syndrome/Retinitis Pigmentosa/Inherited Retinal Diseases (IRD) (example, Garcia-Garcia_2011, LeQuesneStabej_2012, Lenassi_2015, Neveling_2012, Wang_2014, Calzetti_2018, McGee_2010, Weisschuh_2020). These data indicate that the variant is very likely to be associated with disease. To our knowledge, no experimental evidence demonstrating an impact on protein function has been reported. Multiple clinical diagnostic laboratories have submitted clinical-significance assessments for this variant to ClinVar after 2014 without evidence for independent evaluation. All laboratories classified the variant as pathogenic/likely pathogenic. Based on the evidence outlined above, the variant was classified as pathogenic.

Victorian Clinical Genetics Services, Murdoch Childrens Research Institute
Classification: Pathogenic for Usher syndrome type 2A. Last evaluated: 2022-02-02. Review status: criteria provided, single submitter. Criteria: ACMG Guidelines, 2015. Collection method: clinical testing. Allele origin: germline. Inheritance: Autosomal recessive inheritance. Affected: yes.
Comment: Based on the classification scheme VCGS_Germline_v1.3.4, this variant is classified as Pathogenic. Following criteria are met: 0102 - Loss of function is a known mechanism of disease in this gene and is associated with Usher syndrome, type 2A (MIM#276901) and retinitis pigmentosa (MIM# 6138093). (I) 0106 - This gene is associated with autosomal recessive disease. (I) 0200 - Variant is predicted to result in a missense amino acid change from cysteine to tyrosine. (I) 0251 - This variant is heterozygous. (I) 0304 - Variant is present in gnomAD <0.01 for a recessive condition (v2: 111 heterozygotes, 0 homozygotes). (SP) 0501 - Missense variant consistently predicted to be damaging by multiple in silico tools or highly conserved with a major amino acid change. (SP) 0604 - Variant is not located in an established domain, motif, hotspot or informative constraint region. (I) 0801 - This variant has strong previous evidence of pathogenicity in unrelated individuals. It has been reported in at least ten individuals with both Usher syndrome, type 2A (MIM#276901) and retinitis pigmentosa (MIM# 6138093), and classified as both like pathogenic and pathogenic by diagnostic laboratories in Clinvar (PMID: 22004887, 25649381). (SP) 1208 - Inheritance information for this variant is not currently available in this individual. (I) Legend: (SP) - Supporting pathogenic, (I) - Information, (SB) - Supporting benign

Department of Pathology and Laboratory Medicine, Sinai Health System
Classification: Pathogenic for Usher syndrome type 2A; Retinitis pigmentosa 39. Last evaluated: 2022-01-25. Review status: criteria provided, single submitter. Criteria: ACMG Guidelines, 2015. Collection method: research. Allele origin: germline.

Genetics and Molecular Pathology, SA Pathology
Classification: Pathogenic for Retinitis pigmentosa 39. Last evaluated: 2021-09-27. Review status: criteria provided, single submitter. Criteria: ACMG Guidelines, 2015. Collection method: clinical testing. Allele origin: germline. Affected: yes.

Ocular Genomics Institute, Massachusetts Eye and Ear
Classification: Likely pathogenic for Retinitis pigmentosa 39. Last evaluated: 2021-04-08. Review status: criteria provided, single submitter. Criteria: ACMG Guidelines, 2015. Collection method: research. Allele origin: germline. Affected: yes.
Comment: Through a review of available evidence we were able to apply the following criteria: PS1, PM2, PM3, PP3. Based on this evidence we have classified this variant as Likely Pathogenic.

Broad Center for Mendelian Genomics, Broad Institute of MIT and Harvard
Classification: Likely pathogenic for Retinitis pigmentosa. Last evaluated: 2021-04-01. Review status: criteria provided, single submitter. Criteria: ACMG Guidelines, 2015. Collection method: curation. Allele origin: germline. Inheritance: Autosomal recessive inheritance. Affected: yes.
Comment: Through a review of available evidence we were able to apply the following criteria: PS1, PM2, PM3, PP3. Based on this evidence we have classified this variant as Likely Pathogenic. If you have any questions about the classification please reach out to the Pierce Lab.

Laboratory for Molecular Medicine, Mass General Brigham Personalized Medicine
Classification: Pathogenic for Retinitis pigmentosa. Last evaluated: 2021-03-29. Review status: criteria provided, single submitter. Criteria: LMM Criteria. Collection method: clinical testing. Allele origin: germline. Inheritance: Autosomal recessive inheritance. Observed: 4 variant alleles.
Comment: The p.Cys3358Tyr variant in USH2A has been reported in over 15 individuals with retinitis pigmentosa, with at least 9 of these individuals being compound heterozygous for a pathogenic variant on the remaining copy of USH2A (Calzetti 2018 PMID:29953849, Garcia-Garcia 2011 PMID:22004887, LeQuesne Stabej 2012 PMID:22135276, Lenassi 2015 PMID:25649381, McGee 2010 PMID:20507924, Neveling 2012 PMID:22334370, Stone 2018 PMID:28559085, van Huet 2015 PMID:25999674, Wang 2014 PMID:25097241, Zhao 2015 PMID:25472526, Avila-Fernandez 2010 PMID:21151602). Two of these individuals were reported to have features of atypical type 2 Usher syndrome, with a later onset hearing loss (Garcia-Garcia 2011 PMID:22004887, Lenassi 2015 PMID:25649381), and one was reported to have hearing loss though age of onset was not noted (Calzetti 2018 PMID:29953849). The variant has been identified in 98/128872 European chromosomes by gnomAD; however its frequency is low enough to be consistent with a recessive carrier frequency. Computational prediction tools and conservation analysis suggest an impact to the protein. In summary, this variant meets criteria to be classified as pathogenic for autosomal recessive retinitis pigmentosa and/or atypical type 2 Usher syndrome, based on the previously reported individuals. ACMG/AMP criteria applied: PM3_VeryStrong, PM2_Supporting, PP3.

Myriad Genetics, Inc.
Classification: Likely pathogenic for Usher syndrome type 2A. Last evaluated: 2019-12-17. Review status: criteria provided, single submitter. Criteria: Myriad Women's Health Autosomal Recessive and X-Linked Classification Criteria (2019). Collection method: clinical testing. Allele origin: unknown.
Comment: NM_206933.2(USH2A):c.10073G>A(C3358Y) is classified as likely pathogenic in the context of USH2A-related disorders and is primarily associated with retinitis pigmentosa. Sources cited for classification include the following: PMID 22004887, 22334370, 26667666, 25472526, 25097241, 25649381 and 20507924. Classification of NM_206933.2(USH2A):c.10073G>A(C3358Y) is based on the following criteria: This variant has been observed more frequently in patients with clinical diagnoses than in healthy populations. Please note: this variant was assessed in the context of healthy population screening.

Baylor Genetics
Classification: Likely pathogenic for Usher syndrome type 2A. Last evaluated: 2019-09-30. Review status: criteria provided, single submitter. Criteria: ACMG Guidelines, 2015. Collection method: clinical testing. Allele origin: unknown. Affected: yes.
Comment: This variant was determined to be likely pathogenic according to ACMG Guidelines, 2015 [PMID:25741868]. This variant has been previously reported as disease-causing by following sources [PMID: 25097241, 20507924, 25472526, 22004887, ClinVar ID: 197932]

CeGaT Center for Human Genetics Tuebingen
Classification: Pathogenic. Last evaluated: 2018-08-01. Review status: criteria provided, single submitter. Criteria: CeGaT Center For Human Genetics Tuebingen Variant Classification Criteria Version 2. Collection method: clinical testing. Allele origin: germline. Affected: yes. Observed: 1 variant allele.

SIB Swiss Institute of Bioinformatics
Classification: Likely pathogenic for Retinitis pigmentosa 39. Last evaluated: 2018-05-31. Review status: criteria provided, single submitter. Criteria: ACMG Guidelines, 2015. Collection method: curation. Allele origin: unknown.
Comment: This variant is interpreted as a Likely Pathogenic, for Retinitis pigmentosa 39, in Autosomal Recessive manner. The following ACMG Tag(s) were applied: PM2 => Absent from controls (or at extremely low frequency if recessive) in Exome Sequencing Project, 1000 Genomes Project, or Exome Aggregation Consortium. PP3 => Multiple lines of computational evidence support a deleterious effect on the gene or gene product. PM3-Strong => PM3 upgraded in strength to Strong (PMID:22334370) (PMID:25649381).

Eurofins Ntd Llc (ga)
Classification: Pathogenic. Last evaluated: 2017-04-05. Review status: criteria provided, single submitter. Criteria: EGL Classification Definitions 2015. Collection method: clinical testing. Allele origin: germline. Observed: 5 variant alleles, 5 heterozygotes.